The following is an entry in ClinVar:

NM_003480.4(MFAP5):c.146T>C (p.Val49Ala)

Gene: MFAP5 (microfibril associated protein 5; minus strand). Cytogenetic location: 12p13.31.
Variant type: single nucleotide variant.
Coding change: c.146T>C on transcript NM_003480.4 (MANE Select); coding-DNA position 146, T replaced by C.
Protein change: p.Val49Ala; replaces valine 49 with alanine.
Molecular consequence: missense variant. On other transcripts: non-coding transcript variant (2).
Genome position (GRCh38, 1-based): chr12:8,655,441, A>G on the plus strand (T>C on the coding strand, the complement: MFAP5 is on the minus strand). VCF-style: chr12-8655441-A-G. GRCh37 (hg19) VCF-style: chr12-8808037-A-G.
Other names: c.146T>C, p.Val49Ala (NM_001297709.2, NM_001297711.2, NM_001297712.2); c.110T>C, p.Val37Ala (NM_001297710.2); c.146T>C (NM_003480.2, NM_003480.3); short protein forms V37A, V49A.
Identifiers: ClinVar variation 2420654 (VCV002420654.9), dbSNP rs976841879, ClinGen allele CA232306452.
Genomic context (GRCh38, chr12:8,655,441, plus strand): 5'-ATGCCATTTTTTTTTTAACTGCGGTAAAATTTACCTGTTTCATCTGTAGCGGGATCATTC[A>G]CCAGATCTGCAAAGACACATAACAAGGAATGAAAAAATGCAGTCAGGAAAAGTAGCTAAG-3'
Protein context (NP_003471.1, residues 39-59): PETFTEDPNL[Val49Ala]NDPATDETVL

ClinVar aggregate classification (germline): Uncertain significance. Review status: criteria provided, multiple submitters, no conflicts (2 of 4 stars). 3 submissions from 3 submitters: Uncertain significance (3). Last evaluated 2026-06-14.

Conditions:
Cardiovascular phenotype. Identifiers: MedGen CN230736.
MFAP5-related disorder. Also called: MFAP5-related condition.

Allele frequency attached by ClinVar (database versions not stated): gnomAD exomes 0.00002; TOPMed 0.00002; gnomAD 0.00001.
gnomAD v4.1: 29 of 1,607,744 alleles (0.0018%); highest among the groups gnomAD compares: Middle Eastern, 0.017%; no homozygotes.

Submissions (3):

Ambry Genetics
Classification: Uncertain significance for Cardiovascular phenotype. Last evaluated: 2026-06-14. Review status: criteria provided, single submitter. Criteria: Ambry Variant Classification Scheme 2023. Collection method: clinical testing. Allele origin: germline.
Comment: The p.V49A variant (also known as c.146T>C), located in coding exon 4 of the MFAP5 gene, results from a T to C substitution at nucleotide position 146. The valine at codon 49 is replaced by alanine, an amino acid with similar properties. This amino acid position is conserved. In addition, this alteration is predicted to be tolerated by in silico analysis. Based on the available evidence, the clinical significance of this variant remains unclear.

Labcorp Genetics (formerly Invitae), Labcorp
Classification: Uncertain significance. Last evaluated: 2025-10-19. Review status: criteria provided, single submitter. Criteria: Invitae Variant Classification Sherloc (09022015). Collection method: clinical testing. Allele origin: germline.
Comment: This sequence change replaces valine, which is neutral and non-polar, with alanine, which is neutral and non-polar, at codon 49 of the MFAP5 protein (p.Val49Ala). This variant is present in population databases (no rsID available, gnomAD 0.002%). This variant has not been reported in the literature in individuals affected with MFAP5-related conditions. ClinVar contains an entry for this variant (Variation ID: 2420654). An algorithm developed to predict the effect of missense changes on protein structure and function (PolyPhen-2) suggests that this variant is likely to be disruptive. In summary, the available evidence is currently insufficient to determine the role of this variant in disease. Therefore, it has been classified as a Variant of Uncertain Significance.

PreventionGenetics, part of Exact Sciences
Classification: Uncertain significance for MFAP5-related condition. Last evaluated: 2022-10-19. Review status: criteria provided, single submitter. Criteria: ACMG Guidelines, 2015. Collection method: clinical testing. Allele origin: germline.
Comment: The MFAP5 c.146T>C variant is predicted to result in the amino acid substitution p.Val49Ala. To our knowledge, this variant has not been reported in the literature. This variant is reported in 0.0018% of alleles in individuals of European (Non-Finnish) descent in gnomAD. At this time, the clinical significance of this variant is uncertain due to the absence of conclusive functional and genetic evidence.